The following is an entry in ClinVar:

ClinVar aggregate classification (germline): Uncertain significance (1 of 4 stars; one submission).

Conditions:
CSDE1-related disorder. Also called: CSDE1-related condition.

Submission:

PreventionGenetics, part of Exact Sciences
Classification: Uncertain significance for CSDE1-related condition. Last evaluated: 2023-08-28. Review status: criteria provided, single submitter. Criteria: ACMG Guidelines, 2015. Collection method: clinical testing. Allele origin: germline.
Comment: The CSDE1 c.184dupT variant is predicted to result in a frameshift and premature protein termination (p.Tyr62Leufs*3). To our knowledge, this variant has not been reported in the literature or in a large population database, indicating this variant is rare. Other truncating variants (de novo and inherited) have been reported downstream of this position in individuals with autism and neurodevelopmental disorder phenotypes (Guo et al. 2019. PubMed ID: 31579823). Although we suspect that this variant may be pathogenic, at this time, the clinical significance of this variant is uncertain due to the absence of conclusive functional and genetic evidence.

NM_001007553.3(CSDE1):c.46dup (p.Tyr16fs)

Gene: CSDE1 (cold shock domain containing E1; minus strand). Cytogenetic location: 1p13.2.
Variant type: Duplication.
Coding change: c.46dup on transcript NM_001007553.3 (MANE Select); coding-DNA position 46, one base duplicated (T; older notation c.46dupT).
Protein change: p.Tyr16fs; shifts the reading frame from tyrosine 16.
Molecular consequence: frameshift variant.
Genome position (GRCh38, 1-based): chr1:114,739,845, A duplicated on the plus strand (T on the coding strand, the reverse complement: CSDE1 is on the minus strand). VCF-style (leftmost placement, unchanged base first): chr1-114739844-T-TA. GRCh37 (hg19) VCF-style: chr1-115282465-T-TA.
Other names: c.184dup, p.Tyr62fs (NM_001130523.3, NM_001242891.2); c.46dup, p.Tyr16fs (NM_001242892.2, NM_001242893.2, NM_007158.6); short protein forms Y16fs, Y62fs.
Identifiers: ClinVar variation 2631625 (VCV002631625.1), dbSNP rs2524839469, ClinGen allele CA2695199869.
Genomic context (GRCh38, chr1:114,739,844, plus strand): 5'-GAGGTTAACAGTTTTTCAATAACCCCAGTTTCACGCAGTGCTGCTGAAGTACCATTAGGG[T>TA]ACCCATTATGTCCATTGTTGTGGAGAAGGTTTGGATCAAAGCTCATCTGTTTTAAAAAGA-3'